The following is an entry in ClinVar:

ClinVar aggregate classification (germline): Uncertain significance. Review status: criteria provided, multiple submitters, no conflicts (2 of 4 stars). 2 submissions from 2 submitters: Uncertain significance (2). Last evaluated 2025-11-25.

Submissions (2):

Labcorp Genetics (formerly Invitae), Labcorp
Classification: Uncertain significance. Last evaluated: 2025-11-25. Review status: criteria provided, single submitter. Criteria: Invitae Variant Classification Sherloc (09022015). Collection method: clinical testing. Allele origin: germline.
Comment: This sequence change replaces arginine, which is basic and polar, with glycine, which is neutral and non-polar, at codon 392 of the MAP3K8 protein (p.Arg392Gly). This variant is not present in population databases (gnomAD no frequency). This variant has not been reported in the literature in individuals affected with MAP3K8-related conditions. ClinVar contains an entry for this variant (Variation ID: 2251490). An algorithm developed to predict the effect of missense changes on protein structure and function (PolyPhen-2) suggests that this variant is likely to be tolerated. In summary, the available evidence is currently insufficient to determine the role of this variant in disease. Therefore, it has been classified as a Variant of Uncertain Significance.

Ambry Genetics
Classification: Uncertain significance. Last evaluated: 2021-09-17. Review status: criteria provided, single submitter. Criteria: Ambry Variant Classification Scheme 2023. Collection method: clinical testing. Allele origin: germline.

NM_005204.4(MAP3K8):c.1174A>G (p.Arg392Gly)

Gene: MAP3K8 (mitogen-activated protein kinase kinase kinase 8; plus strand). Cytogenetic location: 10p11.23.
Variant type: single nucleotide variant.
Coding change: c.1174A>G on transcript NM_005204.4 (MANE Select); coding-DNA position 1174, A replaced by G.
Protein change: p.Arg392Gly; replaces arginine 392 with glycine.
Molecular consequence: missense variant.
Genome position (GRCh38, 1-based): chr10:30,459,402, A>G. VCF-style: chr10-30459402-A-G. GRCh37 (hg19) VCF-style: chr10-30748331-A-G.
Other names: c.1174A>G, p.Arg392Gly (NM_001244134.1, NM_001320961.2); short protein forms R392G.
Identifiers: ClinVar variation 2251490 (VCV002251490.3), dbSNP rs768293075, ClinGen allele CA376432431.